The following is an entry in ClinVar:

NM_001267550.2(TTN):c.56051-12T>A

Genes: TTN (titin; minus strand), TTN-AS1 (TTN antisense RNA 1; plus strand). Cytogenetic location: 2q31.2.
Variant type: single nucleotide variant.
Coding change: c.56051-12T>A on transcript NM_001267550.2 (MANE Select); 12 bases into the intron before coding-DNA position 56051, T replaced by A.
Molecular consequence: intron variant.
Genome position (GRCh38, 1-based): chr2:178,599,862, A>T on the plus strand (T>A on the coding strand, the complement: TTN is on the minus strand). VCF-style: chr2-178599862-A-T. GRCh37 (hg19) VCF-style: chr2-179464589-A-T.
Other names: c.28856-12T>A (NM_003319.4); c.29432-12T>A (NM_133437.4); c.29231-12T>A (NM_133432.3); c.48347-12T>A (NM_133378.4); c.51128-12T>A (NM_001256850.1).
Identifiers: ClinVar variation 379624 (VCV000379624.14), dbSNP rs147192175, ClinGen allele CA1993318.

ClinVar aggregate classification (germline): Benign/Likely benign. Review status: criteria provided, multiple submitters, no conflicts (2 of 4 stars). 4 submissions from 4 submitters: Benign (1); Likely benign (1). 2 of the submissions do not count toward it. Last evaluated 2025-11-27.

Conditions:
Dilated cardiomyopathy 1G (CMD1G). Identifiers: Orphanet 154, MedGen C1858763, MONDO:0011400, OMIM 604145.
Autosomal recessive limb-girdle muscular dystrophy type 2J (LGMDR10). Also called: Limb-girdle muscular dystrophy, type 2J; MUSCULAR DYSTROPHY, LIMB-GIRDLE, AUTOSOMAL RECESSIVE 10. Identifiers: Orphanet 140922, MedGen C1837342, MONDO:0012127, OMIM 608807.

Allele frequency attached by ClinVar (database versions not stated): ExAC 0.00003; gnomAD exomes 0.00003 and 0.00005; TOPMed 0.00006; gnomAD 0.00009 and 0.00010; 1000 Genomes Project 30x 0.00016; 1000 Genomes Project 0.00020.
gnomAD v4.1: 61 of 1,538,624 alleles (0.004%); highest among the groups gnomAD compares: African/African-American, 0.019%; no homozygotes.

Submissions (5):

Labcorp Genetics (formerly Invitae), Labcorp
Classification: Likely benign for Dilated cardiomyopathy 1G; Autosomal recessive limb-girdle muscular dystrophy type 2J. Last evaluated: 2025-11-27. Review status: criteria provided, single submitter. Criteria: Invitae Variant Classification Sherloc (09022015). Collection method: clinical testing. Allele origin: germline.

GeneDx
Classification: Benign. Last evaluated: 2015-06-16. Review status: criteria provided, single submitter. Criteria: GeneDx Variant Classification (06012015). Collection method: clinical testing. Allele origin: germline. Affected: yes.
Comment: This variant is considered likely benign or benign based on one or more of the following criteria: it is a conservative change, it occurs at a poorly conserved position in the protein, it is predicted to be benign by multiple in silico algorithms, and/or has population frequency not consistent with disease.

Clinical Genetics, Academic Medical Center
Classification: Benign. Review status: no assertion criteria provided. Collection method: clinical testing. Allele origin: germline. Affected: yes. Study: VKGL Data-share Consensus. Not counted in ClinVar's aggregate classification.

Dr. Peter K. Rogan Lab, Western University
No classification provided (evidence only). Condition: Ovarian serous cystadenocarcinoma. Review status: no classification provided. Collection method: in vitro. Allele origin: not applicable. Functional consequence: retained intron. Not counted in ClinVar's aggregate classification.

Joint Genome Diagnostic Labs from Nijmegen and Maastricht, Radboudumc and MUMC+
Classification: Likely benign. Review status: no assertion criteria provided. Collection method: clinical testing. Allele origin: germline. Affected: yes. Study: VKGL Data-share Consensus. Not counted in ClinVar's aggregate classification.